The following is an entry in ClinVar:

ClinVar aggregate classification (germline): Likely benign. Review status: criteria provided, single submitter (1 of 4 stars). 2 submissions from 2 submitters: Likely benign (1). 1 of the submissions does not count toward it. Last evaluated 2023-03-07.

Conditions:
BBS10-related disorder. Also called: BBS10-related condition.
Bardet-Biedl syndrome (BBS). Identifiers: Orphanet 110, MedGen C0752166, MONDO:0015229.

Allele frequency attached by ClinVar (database versions not stated): gnomAD exomes below 0.00001.

Submissions (2):

Labcorp Genetics (formerly Invitae), Labcorp
Classification: Likely benign for Bardet-Biedl syndrome. Last evaluated: 2023-03-07. Review status: criteria provided, single submitter. Criteria: Invitae Variant Classification Sherloc (09022015). Collection method: clinical testing. Allele origin: germline.

PreventionGenetics, part of Exact Sciences
Classification: Likely benign for BBS10-related condition. Last evaluated: 2024-08-05. Review status: no assertion criteria provided. Collection method: clinical testing. Allele origin: germline. Not counted in ClinVar's aggregate classification.
Comment: This variant is classified as likely benign based on ACMG/AMP sequence variant interpretation guidelines (Richards et al. 2015 PMID: 25741868, with internal and published modifications).

NM_024685.4(BBS10):c.1269A>G (p.Gln423=)

Gene: BBS10 (Bardet-Biedl syndrome 10; minus strand). Cytogenetic location: 12q21.2.
Variant type: single nucleotide variant.
Coding change: c.1269A>G on transcript NM_024685.4 (MANE Select); coding-DNA position 1269, A replaced by G.
Protein change: p.Gln423=; no amino-acid change (glutamine 423 retained).
Molecular consequence: synonymous variant.
Genome position (GRCh38, 1-based): chr12:76,346,716, T>C on the plus strand (A>G on the coding strand, the complement: BBS10 is on the minus strand). VCF-style: chr12-76346716-T-C. GRCh37 (hg19) VCF-style: chr12-76740496-T-C.
Other names: c.1269A>G (NM_024685.3).
Identifiers: ClinVar variation 2902593 (VCV002902593.4), dbSNP rs2540955909, ClinGen allele CA481011204.